The following is an entry in ClinVar:

NM_017654.4(SAMD9):c.1968T>C (p.Cys656=)

Gene: SAMD9 (sterile alpha motif domain containing 9; minus strand). Cytogenetic location: 7q21.2.
Variant type: single nucleotide variant.
Coding change: c.1968T>C on transcript NM_017654.4 (MANE Select); coding-DNA position 1968, T replaced by C.
Protein change: p.Cys656=; no amino-acid change (cysteine 656 retained).
Molecular consequence: synonymous variant.
Genome position (GRCh38, 1-based): chr7:93,104,130, A>G on the plus strand (T>C on the coding strand, the complement: SAMD9 is on the minus strand). VCF-style: chr7-93104130-A-G. GRCh37 (hg19) VCF-style: chr7-92733443-A-G.
Other names: c.1968T>C, p.Cys656= (NM_001193307.2); c.1968T>C (NM_017654.3).
Identifiers: ClinVar variation 2816154 (VCV002816154.5), dbSNP rs749384046, ClinGen allele CA4342904.

ClinVar aggregate classification (germline): Conflicting classifications of pathogenicity. Review status: criteria provided, conflicting classifications (1 of 4 stars). 3 submissions from 3 submitters: Uncertain significance (1); Likely benign (2). Last evaluated 2025-04-13.

Conditions:
Inborn genetic diseases. Identifiers: MedGen C0950123, MeSH D030342.

Allele frequency attached by ClinVar (database versions not stated): gnomAD exomes 0.00001; TOPMed 0.00001; ExAC 0.00002.
gnomAD v4.1: 13 of 1,613,916 alleles (0.00081%); highest among the groups gnomAD compares: South Asian, 0.013%; no homozygotes.

Submissions (3):

Ambry Genetics
Classification: Likely benign for Inborn genetic diseases. Last evaluated: 2025-04-13. Review status: criteria provided, single submitter. Criteria: Ambry Variant Classification Scheme 2023. Collection method: clinical testing. Allele origin: germline.

GeneDx
Classification: Uncertain significance. Last evaluated: 2024-04-01. Review status: criteria provided, single submitter. Criteria: GeneDx Variant Classification Process June 2021. Collection method: clinical testing. Allele origin: germline. Affected: yes.
Comment: Not observed at significant frequency in large population cohorts (gnomAD); In silico analysis supports that this variant does not alter splicing; Has not been previously published as pathogenic or benign to our knowledge

Labcorp Genetics (formerly Invitae), Labcorp
Classification: Likely benign. Last evaluated: 2023-11-09. Review status: criteria provided, single submitter. Criteria: Invitae Variant Classification Sherloc (09022015). Collection method: clinical testing. Allele origin: germline.